The following is an entry in ClinVar:

ClinVar aggregate classification (germline): Likely benign. Review status: criteria provided, multiple submitters, no conflicts (2 of 4 stars). 2 submissions from 2 submitters: Likely benign (2). Last evaluated 2026-09-23.

Conditions:
OSBPL2-related disorder. Also called: OSBPL2-related condition.

gnomAD v4.1: 32 of 1,613,838 alleles (0.002%); highest among the groups gnomAD compares: Admixed American, 0.028%; no homozygotes.

Submissions (2):

PreventionGenetics, part of Exact Sciences
Classification: Likely benign for OSBPL2-related condition. Last evaluated: 2026-09-23. Review status: criteria provided, single submitter. Criteria: ACMG Guidelines, 2015. Collection method: clinical testing. Allele origin: germline.
Comment: This variant is classified as likely benign based on ACMG/AMP sequence variant interpretation guidelines (Richards et al. 2015 PMID: 25741868, with internal and published modifications).

Labcorp Genetics (formerly Invitae), Labcorp
Classification: Likely benign. Last evaluated: 2025-11-19. Review status: criteria provided, single submitter. Criteria: Invitae Variant Classification Sherloc (09022015). Collection method: clinical testing. Allele origin: germline.

NM_144498.4(OSBPL2):c.1422C>T (p.Ser474=)

Gene: OSBPL2 (oxysterol binding protein like 2; plus strand). Cytogenetic location: 20q13.33.
Variant type: single nucleotide variant.
Coding change: c.1422C>T on transcript NM_144498.4 (MANE Select); coding-DNA position 1422, C replaced by T.
Protein change: p.Ser474=; no amino-acid change (serine 474 retained).
Molecular consequence: synonymous variant. On other transcripts: missense variant (1).
Genome position (GRCh38, 1-based): chr20:62,293,866, C>T. VCF-style: chr20-62293866-C-T. GRCh37 (hg19) VCF-style: chr20-60868922-C-T.
Other names: c.1022C>T, p.Pro341Leu (NM_001278649.3); c.1146C>T, p.Ser382= (NM_001363878.2); c.1386C>T, p.Ser462= (NM_014835.5); c.1022C>T (NM_001278649.1); short protein forms P341L.
Identifiers: ClinVar variation 4751206 (VCV004751206.2).